The following is an entry in ClinVar:

ClinVar aggregate classification (germline): Conflicting classifications of pathogenicity. Review status: criteria provided, conflicting classifications (1 of 4 stars). 2 submissions from 2 submitters: Uncertain significance (1); Likely benign (1). Last evaluated 2025-09-25.

Conditions:
Drash syndrome (DDS). Also called: NEPHROPATHY, WILMS TUMOR, AND GENITAL ANOMALIES; WILMS TUMOR AND PSEUDO- OR TRUE HERMAPHRODITISM. Identifiers: Orphanet 220, MedGen C0950121, MONDO:0008682, OMIM 194080.
Frasier syndrome. Identifiers: Orphanet 347, MedGen C0950122, MeSH D052159, MONDO:0007635, OMIM 136680.
Wilms tumor 1 (WT1). Also called: Wilms tumor, somatic. Identifiers: Orphanet 654, MedGen CN033288, MONDO:0008679, OMIM 194070.
11p partial monosomy syndrome (WAGR). Also called: WAGR Spectrum Disorder; WAGR syndrome; WAGR Complex; CHROMOSOME 11p13 DELETION SYNDROME. Identifiers: Orphanet 893, MedGen C0206115, MONDO:0008681, OMIM 194072.
Inborn genetic diseases. Identifiers: MedGen C0950123, MeSH D030342.

Allele frequency attached by ClinVar (database versions not stated): gnomAD 0.00001.

Submissions (2):

Ambry Genetics
Classification: Likely benign for Inborn genetic diseases. Last evaluated: 2025-09-25. Review status: criteria provided, single submitter. Criteria: Ambry Variant Classification Scheme 2023. Collection method: clinical testing. Allele origin: germline.

Labcorp Genetics (formerly Invitae), Labcorp
Classification: Uncertain significance for Wilms tumor 1; Drash syndrome; 11p partial monosomy syndrome; Frasier syndrome. Last evaluated: 2022-03-08. Review status: criteria provided, single submitter. Criteria: Invitae Variant Classification Sherloc (09022015). Collection method: clinical testing. Allele origin: germline.
Comment: This variant has not been reported in the literature in individuals affected with WT1-related conditions. ClinVar contains an entry for this variant (Variation ID: 654186). Algorithms developed to predict the effect of missense changes on protein structure and function output the following: SIFT: "Deleterious"; PolyPhen-2: "Benign"; Align-GVGD: "Class C0". The glutamine amino acid residue is found in multiple mammalian species, which suggests that this missense change does not adversely affect protein function. In summary, the available evidence is currently insufficient to determine the role of this variant in disease. Therefore, it has been classified as a Variant of Uncertain Significance. This sequence change replaces arginine, which is basic and polar, with glutamine, which is neutral and polar, at codon 34 of the WT1 protein (p.Arg34Gln). This variant is not present in population databases (gnomAD no frequency).

NM_024426.6(WT1):c.116G>A (p.Arg39Gln)

Genes: WT1 (WT1 transcription factor; minus strand), LOC107982234 (WT1/WT1-AS bi-directional promoter region; plus strand). Cytogenetic location: 11p13.
Variant type: single nucleotide variant.
Coding change: c.116G>A on transcript NM_024426.6 (MANE Select); coding-DNA position 116, G replaced by A.
Protein change: p.Arg39Gln; replaces arginine 39 with glutamine.
Molecular consequence: missense variant. On other transcripts: non-coding transcript variant (1).
Genome position (GRCh38, 1-based): chr11:32,435,245, C>T on the plus strand (G>A on the coding strand, the complement: WT1 is on the minus strand). VCF-style: chr11-32435245-C-T. GRCh37 (hg19) VCF-style: chr11-32456791-C-T.
Other names: c.116G>A, p.Arg39Gln (NM_000378.6, NM_024424.5); short protein forms R39Q.
Identifiers: ClinVar variation 654186 (VCV000654186.10), dbSNP rs1590411426, ClinGen allele CA379966351.